The following is an entry in ClinVar:

ClinVar aggregate classification (germline): Uncertain significance (1 of 4 stars; one submission).

Allele frequency attached by ClinVar (database versions not stated): gnomAD 0.00001; gnomAD exomes 0.00001 and 0.00002; TOPMed 0.00001; ExAC 0.00004.
gnomAD v4.1: 19 of 1,571,918 alleles (0.0012%); highest among the groups gnomAD compares: South Asian, 0.0081%; no homozygotes.

Submission:

Labcorp Genetics (formerly Invitae), Labcorp
Classification: Uncertain significance. Last evaluated: 2022-09-23. Review status: criteria provided, single submitter. Criteria: Invitae Variant Classification Sherloc (09022015). Collection method: clinical testing. Allele origin: germline.
Comment: In summary, the available evidence is currently insufficient to determine the role of this variant in disease. Therefore, it has been classified as a Variant of Uncertain Significance. This sequence change replaces glycine, which is neutral and non-polar, with serine, which is neutral and polar, at codon 391 of the COL9A3 protein (p.Gly391Ser). The frequency data for this variant in the population databases is considered unreliable, as metrics indicate poor data quality at this position in the gnomAD database. This variant has not been reported in the literature in individuals affected with COL9A3-related conditions. ClinVar contains an entry for this variant (Variation ID: 1410190). Advanced modeling of protein sequence and biophysical properties (such as structural, functional, and spatial information, amino acid conservation, physicochemical variation, residue mobility, and thermodynamic stability) performed at Invitae indicates that this missense variant is expected to disrupt COL9A3 protein function.

NM_001853.4(COL9A3):c.1171G>A (p.Gly391Ser)

Gene: COL9A3 (collagen type IX alpha 3 chain; plus strand). Cytogenetic location: 20q13.33.
Variant type: single nucleotide variant.
Coding change: c.1171G>A on transcript NM_001853.4 (MANE Select); coding-DNA position 1171, G replaced by A.
Protein change: p.Gly391Ser; replaces glycine 391 with serine.
Molecular consequence: missense variant.
Genome position (GRCh38, 1-based): chr20:62,830,369, G>A. VCF-style: chr20-62830369-G-A. GRCh37 (hg19) VCF-style: chr20-61461721-G-A.
Other names: short protein forms G391S.
Identifiers: ClinVar variation 1410190 (VCV001410190.6), dbSNP rs773654565, ClinGen allele CA9949810.